The following is an entry in ClinVar:

ClinVar aggregate classification (germline): Uncertain significance (1 of 4 stars; one submission).

Conditions:
Rhabdoid tumor predisposition syndrome 2 (RTPS2). Identifiers: Orphanet 231108, Orphanet 69077, MedGen C2750074, MONDO:0013224, OMIM 613325.

Submission:

Labcorp Genetics (formerly Invitae), Labcorp
Classification: Uncertain significance for Rhabdoid tumor predisposition syndrome 2. Last evaluated: 2022-10-13. Review status: criteria provided, single submitter. Criteria: Invitae Variant Classification Sherloc (09022015). Collection method: clinical testing. Allele origin: germline.
Comment: In summary, the available evidence is currently insufficient to determine the role of this variant in disease. Therefore, it has been classified as a Variant of Uncertain Significance. This sequence change replaces phenylalanine, which is neutral and non-polar, with tyrosine, which is neutral and polar, at codon 1121 of the SMARCA4 protein (p.Phe1121Tyr). This variant is not present in population databases (gnomAD no frequency). This variant has not been reported in the literature in individuals affected with SMARCA4-related conditions. ClinVar contains an entry for this variant (Variation ID: 1480872). Advanced modeling of protein sequence and biophysical properties (such as structural, functional, and spatial information, amino acid conservation, physicochemical variation, residue mobility, and thermodynamic stability) has been performed at Invitae for this missense variant, however the output from this modeling did not meet the statistical confidence thresholds required to predict the impact of this variant on SMARCA4 protein function.

NM_003072.5(SMARCA4):c.3362T>A (p.Phe1121Tyr)

Gene: SMARCA4 (SWI/SNF related BAF chromatin remodeling complex subunit ATPase 4; plus strand). Cytogenetic location: 19p13.2.
Variant type: single nucleotide variant.
Coding change: c.3362T>A on transcript NM_003072.5 (MANE Select); coding-DNA position 3362, T replaced by A.
Protein change: p.Phe1121Tyr; replaces phenylalanine 1121 with tyrosine.
Molecular consequence: missense variant. On other transcripts: non-coding transcript variant (1).
Genome position (GRCh38, 1-based): chr19:11,027,930, T>A. VCF-style: chr19-11027930-T-A. GRCh37 (hg19) VCF-style: chr19-11138606-T-A.
Other names: c.3362T>A, p.Phe1121Tyr (NM_001128844.3, NM_001128845.2, NM_001128846.2 and 5 more transcripts); short protein forms F1121Y.
Identifiers: ClinVar variation 1480872 (VCV001480872.8), dbSNP rs2146546041, ClinGen allele CA404061874.